The following is an entry in ClinVar:

NM_002335.4(LRP5):c.2104G>C (p.Ala702Pro)

Gene: LRP5 (LDL receptor related protein 5; plus strand). Cytogenetic location: 11q13.2.
Variant type: single nucleotide variant.
Coding change: c.2104G>C on transcript NM_002335.4 (MANE Select); coding-DNA position 2104, G replaced by C.
Protein change: p.Ala702Pro; replaces alanine 702 with proline.
Molecular consequence: missense variant.
Genome position (GRCh38, 1-based): chr11:68,409,926, G>C. VCF-style: chr11-68409926-G-C. GRCh37 (hg19) VCF-style: chr11-68177394-G-C.
Other names: c.361G>C, p.Ala121Pro (NM_001291902.2); short protein forms A121P, A702P.
Identifiers: ClinVar variation 2099983 (VCV002099983.4), dbSNP rs771775019, ClinGen allele CA381616275.

ClinVar aggregate classification (germline): Uncertain significance (1 of 4 stars; one submission).

Submission:

Labcorp Genetics (formerly Invitae), Labcorp
Classification: Uncertain significance. Last evaluated: 2022-02-20. Review status: criteria provided, single submitter. Criteria: Invitae Variant Classification Sherloc (09022015). Collection method: clinical testing. Allele origin: germline.
Comment: In summary, the available evidence is currently insufficient to determine the role of this variant in disease. Therefore, it has been classified as a Variant of Uncertain Significance. Advanced modeling of protein sequence and biophysical properties (such as structural, functional, and spatial information, amino acid conservation, physicochemical variation, residue mobility, and thermodynamic stability) performed at Invitae indicates that this missense variant is expected to disrupt LRP5 protein function. This variant has not been reported in the literature in individuals affected with LRP5-related conditions. This variant is not present in population databases (gnomAD no frequency). This sequence change replaces alanine, which is neutral and non-polar, with proline, which is neutral and non-polar, at codon 702 of the LRP5 protein (p.Ala702Pro).